The following is an entry in ClinVar:

NM_152327.5(AK7):c.1061C>T (p.Thr354Ile)

Gene: AK7 (adenylate kinase 7; plus strand). Cytogenetic location: 14q32.2.
Variant type: single nucleotide variant.
Coding change: c.1061C>T on transcript NM_152327.5 (MANE Select); coding-DNA position 1061, C replaced by T.
Protein change: p.Thr354Ile; replaces threonine 354 with isoleucine.
Molecular consequence: missense variant.
Genome position (GRCh38, 1-based): chr14:96,451,533, C>T. VCF-style: chr14-96451533-C-T. GRCh37 (hg19) VCF-style: chr14-96917870-C-T.
Other names: c.1061C>T, p.Thr354Ile (NM_001350888.2, NM_001350890.2, NM_001350892.2); c.983C>T, p.Thr328Ile (NM_001350891.2); short protein forms T354I, T328I.
Identifiers: ClinVar variation 1957019 (VCV001957019.5), dbSNP rs2504525345, ClinGen allele CA390914562.
Genomic context (GRCh38, chr14:96,451,533, plus strand): 5'-TGAAGGAGAATTTTAATATTCGATGGGCTGCCCAAACAGGATTTGTGGAAAATATCAACA[C>T]TATCCTCAAGGAGTACAAGCAAAGCAGAGGATTGATGGTAACTATCACTGTTTCCCACTG-3'
Protein context (NP_689540.2, residues 344-364): AQTGFVENIN[Thr354Ile]ILKEYKQSRG

ClinVar aggregate classification (germline): Uncertain significance (1 of 4 stars; one submission).

Allele frequency attached by ClinVar (database versions not stated): gnomAD exomes below 0.00001.
gnomAD v4.1: 1 of 1,594,422 alleles (0.000063%); highest among the groups gnomAD compares: South Asian, 0.0011%; no homozygotes.

Submission:

Labcorp Genetics (formerly Invitae), Labcorp
Classification: Uncertain significance. Last evaluated: 2024-10-23. Review status: criteria provided, single submitter. Criteria: Invitae Variant Classification Sherloc (09022015). Collection method: clinical testing. Allele origin: germline.
Comment: This sequence change replaces threonine, which is neutral and polar, with isoleucine, which is neutral and non-polar, at codon 354 of the AK7 protein (p.Thr354Ile). This variant is not present in population databases (gnomAD no frequency). This variant has not been reported in the literature in individuals affected with AK7-related conditions. ClinVar contains an entry for this variant (Variation ID: 1957019). Invitae Evidence Modeling of protein sequence and biophysical properties (such as structural, functional, and spatial information, amino acid conservation, physicochemical variation, residue mobility, and thermodynamic stability) indicates that this missense variant is not expected to disrupt AK7 protein function with a negative predictive value of 80%. In summary, the available evidence is currently insufficient to determine the role of this variant in disease. Therefore, it has been classified as a Variant of Uncertain Significance.